The following is an entry in ClinVar:

ClinVar aggregate classification (germline): Uncertain significance (1 of 4 stars; one submission).

Conditions:
FGFR2-related craniosynostosis. Identifiers: MedGen CN231480.

Allele frequency attached by ClinVar (database versions not stated): ExAC 0.00001; gnomAD exomes 0.00001; gnomAD 0.00002.
gnomAD v4.1: 11 of 1,614,180 alleles (0.00068%); highest among the groups gnomAD compares: East Asian, 0.0045%; no homozygotes.

Submission:

Labcorp Genetics (formerly Invitae), Labcorp
Classification: Uncertain significance for FGFR2-related craniosynostosis. Last evaluated: 2026-01-05. Review status: criteria provided, single submitter. Criteria: Invitae Variant Classification Sherloc (09022015). Collection method: clinical testing. Allele origin: germline.
Comment: This sequence change replaces threonine, which is neutral and polar, with methionine, which is neutral and non-polar, at codon 243 of the FGFR2 protein (p.Thr243Met). This variant is present in population databases (rs755001161, gnomAD 0.004%). This variant has not been reported in the literature in individuals affected with FGFR2-related conditions. ClinVar contains an entry for this variant (Variation ID: 2188506). Invitae Evidence Modeling of protein sequence and biophysical properties (such as structural, functional, and spatial information, amino acid conservation, physicochemical variation, residue mobility, and thermodynamic stability) indicates that this missense variant is not expected to disrupt FGFR2 protein function with a negative predictive value of 80%. In summary, the available evidence is currently insufficient to determine the role of this variant in disease. Therefore, it has been classified as a Variant of Uncertain Significance.

NM_000141.5(FGFR2):c.728C>T (p.Thr243Met)

Gene: FGFR2 (fibroblast growth factor receptor 2; minus strand). Cytogenetic location: 10q26.13.
Variant type: single nucleotide variant.
Coding change: c.728C>T on transcript NM_000141.5 (MANE Select); coding-DNA position 728, C replaced by T.
Protein change: p.Thr243Met; replaces threonine 243 with methionine.
Molecular consequence: missense variant. On other transcripts: non-coding transcript variant (1).
Genome position (GRCh38, 1-based): chr10:121,538,612, G>A on the plus strand (C>T on the coding strand, the complement: FGFR2 is on the minus strand). VCF-style: chr10-121538612-G-A. GRCh37 (hg19) VCF-style: chr10-123298126-G-A.
Other names: c.728C>T, p.Thr243Met (NM_001144913.1, NM_001144914.1, NM_001144917.2 and 2 more transcripts); c.461C>T, p.Thr154Met (NM_001144915.2, NM_001144919.2, NM_023029.3); c.383C>T, p.Thr128Met (NM_001144916.2, NM_001144918.2); short protein forms T154M, T128M, T243M.
Identifiers: ClinVar variation 2188506 (VCV002188506.4), dbSNP rs755001161, ClinGen allele CA5721061.
Genomic context (GRCh38, chr10:121,538,612, plus strand): 5'-GGCTGGTATGCAGCCGCCACACGAGGAGAGGCAAACTCACCCACAACATCCAGGTGGTAC[G>A]TGTGATTGATGGACCCGTATTCATTCTCCACTACACAGGTATAATTTCCCTTGTCAGATG-3'
Protein context (NP_000132.3, residues 233-253): VENEYGSINH[Thr243Met]YHLDVVERSP